The following is an entry in ClinVar:

NM_000329.3(RPE65):c.1087C>A (p.Pro363Thr)

Gene: RPE65 (retinoid isomerohydrolase RPE65; minus strand). Cytogenetic location: 1p31.3.
Variant type: single nucleotide variant.
Coding change: c.1087C>A on transcript NM_000329.3 (MANE Select); coding-DNA position 1087, C replaced by A.
Protein change: p.Pro363Thr; replaces proline 363 with threonine.
Molecular consequence: missense variant.
Genome position (GRCh38, 1-based): chr1:68,438,228, G>T on the plus strand (C>A on the coding strand, the complement: RPE65 is on the minus strand). VCF-style: chr1-68438228-G-T. GRCh37 (hg19) VCF-style: chr1-68903911-G-T.
Other names: NM_000329.3(RPE65):c.1087C>A; short protein forms P363T.
Identifiers: ClinVar variation 13117 (VCV000013117.19), dbSNP rs121917744, ClinGen allele CA256730.

ClinVar aggregate classification (germline): Pathogenic. Review status: reviewed by expert panel (3 of 4 stars). 10 submissions from 10 submitters: Pathogenic (1). 9 of the submissions do not count toward it. Last evaluated 2023-12-22.

Conditions:
RPE65-related recessive retinopathy. Also called: Recessive RPE65 retinopathy. Identifiers: MedGen CN305526, MONDO:0100368.
Retinitis pigmentosa 87 with choroidal involvement. Identifiers: MedGen C5231465, MONDO:0032873, OMIM 618697.
Leber congenital amaurosis 2 (LCA2). Also called: Autosomal Recessive RPE65-Related Retinal Degeneration; AMAUROSIS CONGENITA OF LEBER II. Identifiers: Orphanet 65, MedGen C1859844, MONDO:0008765, OMIM 204100. Disease mechanism: loss of function.
Retinitis pigmentosa 20 (RP20). Identifiers: Orphanet 791, MedGen C3151086, MONDO:0013425, OMIM 613794.
Leber congenital amaurosis (LCA). Also called: Leber's amaurosis. Identifiers: Orphanet 65, MedGen C0339527, MeSH D057130, MONDO:0018998.

Allele frequency attached by ClinVar (database versions not stated): gnomAD exomes 0.00002.

Submissions (10):

ClinGen Leber Congenital Amaurosis/early Onset Retinal Dystrophy Variant Curation Expert Panel, ClinGen
Classification: Pathogenic for RPE65-related recessive retinopathy. Last evaluated: 2023-12-22. Review status: reviewed by expert panel. Criteria: ClinGen LCAeoRD ACMG Specifications RPE65 V1.0.0. Collection method: curation. Allele origin: germline. Inheritance: Autosomal recessive inheritance.
Comment: The NM_000329.3(RPE65):c.1087C>A (p.Pro363Thr) variant is reported in the literature in a homozygous state in at least two probands affected with Leber congenital amaurosis or early onset severe retinal dystrophy (1 point, PM3, PMID: 9326941, PMID: 26352687). At least one patient harboring the variant exhibited reduced or nondetectable rod ERG (required, 0.5 pts), decreased central visual acuity (1 pt), symptomatic onset between birth and age 5 years (1 pt), evidence of cone involvement on ERG (1 pt), light staring (1 pt), nyctalopia (0.5 pts), and positive response to RPE65 gene therapy (8 pts), which together are specific for RPE65-related recessive retinopathy (13 pts total, VCEP member-provided data, PP4_Moderate). The variant has been reported to segregate with childhood-onset severe retinal dystrophy in multiple families with at least 3 members (PP1_strong, PMID:9326941, PMID: 26352687). This variant is reported in ClinVar (Variation ID: 13117), and its Popmax Filtering AF in gnomAD v.2.1.1 is 0.00004443 (4/30608 alleles) in the South Asian population, which is lower than the ClinGen LCA / eoRD VCEP threshold (<0.0002) (PM2_Supporting). The meta-predictor REVEL gives a score of 0.702, which is above the ClinGen LCA/eoRD VCEP PP3 threshold of >0.644 and predicts a damaging effect on RPE65 function (PP3). An in vitro isomerohydrolase activity assay performed in adenovirus-infected 293A-LRAT cells showed that the p.Pro363Thr mutant exhibits complete loss of 11-cis-retinol production relative to the wild-type RPE65 control, confirming that this variant has a damaging effect on protein function (PMID: 16828753, PS3_supporting). In summary, this variant meets the criteria to be classified as Pathogenic for RPE65-related recessive retinopathy based on the ACMG/AMP criteria applied, as specified by the ClinGen LCA/eoRD VCEP: PP1_Strong, PM3, PP4_Moderate, PS3_Supporting, PM2_Supporting, PP3. (VCEP specifications version 1.0.0; date of approval 09/21/2023).

Myriad Genetics, Inc.
Classification: Pathogenic for RPE65-related recessive retinopathy. Last evaluated: 2025-07-22. Review status: criteria provided, single submitter. Criteria: Myriad Autosomal Dominant, Autosomal Recessive and X-Linked Classification Criteria (2023). Collection method: clinical testing. Allele origin: unknown. Not counted in ClinVar's aggregate classification.
Comment: NM_000329.2(RPE65):c.1087C>A(P363T) is a missense variant classified as pathogenic in the context of inherited retinal dystrophy, RPE65-related. P363T has been observed in cases with relevant disease (PMID: 9326941, 29332120, 26352687, 38219857, 18055820). Relevant functional assessments of this variant are available in the literature (PMID: 16828753). P363T has been observed in referenced population frequency databases. In summary, NM_000329.2(RPE65):c.1087C>A(P363T) is a missense variant that has functional support for pathogenicity and has been observed more frequently in cases with the relevant disease than in healthy populations. Please note: this variant was assessed in the context of healthy population screening.

Natera, Inc.
Classification: Pathogenic for Leber congenital amaurosis. Last evaluated: 2025-01-09. Review status: criteria provided, single submitter. Criteria: Natera Variant Classification Schema (03/2026). Collection method: clinical testing. Allele origin: germline. Not counted in ClinVar's aggregate classification.
Comment: The c.1087C>A variant in RPE65 is a missense variant predicted to cause substitution of proline to threonine at amino acid 363. This variant is rare in the general population with a frequency below the threshold expected for the associated phenotype(s). This variant has been observed in one or more individuals affected with the associated recessive disease, as either homozygous or compound heterozygous with a second variant (PMID: 18055820, 15024725, 9326941). Additionally, this variant has been observed to segregate in affected family members (PMID: 26352687). Functional studies show that this variant may disrupt protein function (PMID: 16828753). Computational prediction algorithms indicate this variant is likely to affect gene or protein function. Given the available evidence, this variant is classified as Pathogenic.

Fulgent Genetics
Classification: Pathogenic for Leber congenital amaurosis 2; Retinitis pigmentosa 20; Retinitis pigmentosa 87 with choroidal involvement. Last evaluated: 2024-04-27. Review status: criteria provided, single submitter. Criteria: ACMG Guidelines, 2015. Collection method: clinical testing. Allele origin: germline. Not counted in ClinVar's aggregate classification.

Women's Health and Genetics/Laboratory Corporation of America, LabCorp
Classification: Pathogenic for Leber congenital amaurosis. Last evaluated: 2024-04-19. Review status: criteria provided, single submitter. Criteria: LabCorp Variant Classification Summary - May 2015. Collection method: clinical testing. Allele origin: germline. Not counted in ClinVar's aggregate classification.
Comment: Variant summary: RPE65 c.1087C>A (p.Pro363Thr) results in a non-conservative amino acid change in the encoded protein sequence. Three of five in-silico tools predict a damaging effect of the variant on protein function. The variant allele was found at a frequency of 1.6e-05 in 251282 control chromosomes (gnomAD). c.1087C>A has been reported in the literature in multiple individuals affected with Leber Congenital Amaurosis (e.g. Gu_1997, Kumaran_2018). These data indicate that the variant is very likely to be associated with disease. At least one publication reports experimental evidence evaluating an impact on protein function and demonstrated that the variant abolished enzymatic activity (Chen_2005). The following publications have been ascertained in the context of this evaluation (PMID: 16828753, 9326941, 29332120). ClinVar contains an entry for this variant (Variation ID: 13117). Based on the evidence outlined above, the variant was classified as pathogenic.

Labcorp Genetics (formerly Invitae), Labcorp
Classification: Pathogenic for Leber congenital amaurosis 2; Retinitis pigmentosa 20. Last evaluated: 2024-03-07. Review status: criteria provided, single submitter. Criteria: Invitae Variant Classification Sherloc (09022015). Collection method: clinical testing. Allele origin: germline. Not counted in ClinVar's aggregate classification.
Comment: This sequence change replaces proline, which is neutral and non-polar, with threonine, which is neutral and polar, at codon 363 of the RPE65 protein (p.Pro363Thr). This variant is present in population databases (rs121917744, gnomAD 0.01%). This missense change has been observed in individuals with Leber congenital amaurosis and retinal dystrophy (PMID: 9326941, 15024725, 29332120). It has also been observed to segregate with disease in related individuals. ClinVar contains an entry for this variant (Variation ID: 13117). Advanced modeling of protein sequence and biophysical properties (such as structural, functional, and spatial information, amino acid conservation, physicochemical variation, residue mobility, and thermodynamic stability) performed at Invitae indicates that this missense variant is not expected to disrupt RPE65 protein function with a negative predictive value of 80%. Experimental studies have shown that this missense change affects RPE65 function (PMID: 16828753). For these reasons, this variant has been classified as Pathogenic.

Baylor Genetics
Classification: Pathogenic for Leber congenital amaurosis 2. Last evaluated: 2024-01-05. Review status: criteria provided, single submitter. Criteria: ACMG Guidelines, 2015. Collection method: clinical testing. Allele origin: unknown. Not counted in ClinVar's aggregate classification.

MGZ Medical Genetics Center
Classification: Pathogenic for Leber congenital amaurosis 2. Last evaluated: 2022-03-28. Review status: criteria provided, single submitter. Criteria: ACMG Guidelines, 2015. Collection method: clinical testing. Allele origin: germline. Affected: yes. Observed: 1 variant allele. Not counted in ClinVar's aggregate classification.
Comment: ACMG criteria applied: PP1_STR, PS4_MOD, PM3, PM5, PS3_SUP, PM2_SUP, PP3

OMIM
Classification: Pathogenic for RETINITIS PIGMENTOSA 20. Last evaluated: 1997-10-01. Review status: no assertion criteria provided. Collection method: literature only. Allele origin: germline. Not counted in ClinVar's aggregate classification.

Laboratory of Genetics in Ophthalmology, Institut Imagine
Classification: Pathogenic for Leber congenital amaurosis 2. Review status: no assertion criteria provided. Collection method: research. Allele origin: inherited. Affected: yes. Observed: 2 variant alleles. Not counted in ClinVar's aggregate classification.

Literature cited by the submitters: PubMed 16828753 (cited by 4 submitters); PubMed 18055820 (cited by Myriad Genetics, Inc. and Natera, Inc.); PubMed 26352687 (cited by Myriad Genetics, Inc. and Natera, Inc.); PubMed 29332120 (cited by 3 submitters); PubMed 38219857 (cited by Myriad Genetics, Inc.); PubMed 9326941 (cited by 6 submitters); PubMed 15024725 (cited by Natera, Inc. and Labcorp Genetics (formerly Invitae), Labcorp).